The following is an entry in ClinVar:

ClinVar aggregate classification (germline): Pathogenic (1 of 4 stars; one submission).

Conditions:
Spastic paraplegia. Identifiers: MedGen C0037772, HP:0001258.

Submission:

Labcorp Genetics (formerly Invitae), Labcorp
Classification: Pathogenic for Spastic paraplegia. Last evaluated: 2020-03-19. Review status: criteria provided, single submitter. Criteria: Invitae Variant Classification Sherloc (09022015). Collection method: clinical testing. Allele origin: germline.
Comment: This sequence change creates a premature translational stop signal (p.Pro1793Lysfs*28) in the ZFYVE26 gene. It is expected to result in an absent or disrupted protein product. For these reasons, this variant has been classified as Pathogenic. Loss-of-function variants in ZFYVE26 are known to be pathogenic (PMID: 18394578, 19805727). Algorithms developed to predict the effect of sequence changes on RNA splicing suggest that this variant may create or strengthen a splice site, but this prediction has not been confirmed by published transcriptional studies. This variant has not been reported in the literature in individuals with ZFYVE26-related conditions. This variant is not present in population databases (ExAC no frequency).

Literature cited by the submitters: PubMed 18394578; PubMed 19805727.

NM_015346.4(ZFYVE26):c.5355_5376dup (p.Pro1793fs)

Gene: ZFYVE26 (zinc finger FYVE-type containing 26; minus strand). Cytogenetic location: 14q24.1.
Variant type: Duplication.
Coding change: c.5355_5376dup on transcript NM_015346.4 (MANE Select); coding-DNA positions 5355 to 5376, 22 bases duplicated (AAGGAGTTTCCCACCAACCCAG).
Protein change: p.Pro1793fs; shifts the reading frame from proline 1793.
Molecular consequence: frameshift variant.
Genome position (GRCh38, 1-based): chr14:67,772,155-67,772,176, CTGGGTTGGTGGGAAACTCCTT duplicated on the plus strand (AAGGAGTTTCCCACCAACCCAG on the coding strand, the reverse complement: ZFYVE26 is on the minus strand). VCF-style (leftmost placement, unchanged base first): chr14-67772154-G-GCTGGGTTGGTGGGAAACTCCTT. GRCh37 (hg19) VCF-style: chr14-68238871-G-GCTGGGTTGGTGGGAAACTCCTT.
Other names: short protein forms P1793fs.
Identifiers: ClinVar variation 1068674 (VCV001068674.7), dbSNP rs2140207535, ClinGen allele CA2499222701.